The following is an entry in ClinVar:

ClinVar aggregate classification (germline): Uncertain significance. Review status: criteria provided, multiple submitters, no conflicts (2 of 4 stars). 2 submissions from 2 submitters: Uncertain significance (2). Last evaluated 2025-10-05.

Conditions:
Primary dilated cardiomyopathy (DCM). Also called: Dilated Cardiomyopathy. Identifiers: Orphanet 217604, MedGen C0007193, MeSH D002311, MONDO:0005021, HP:0001644. Inheritance: Various modes of inheritance.

Allele frequency attached by ClinVar (database versions not stated): gnomAD exomes below 0.00001.
gnomAD v4.1: 1 of 1,567,002 alleles (0.000064%); highest among the groups gnomAD compares: East Asian, 0.0022%; no homozygotes.

Submissions (2):

Ambry Genetics
Classification: Uncertain significance. Last evaluated: 2025-10-05. Review status: criteria provided, single submitter. Criteria: Ambry Variant Classification Scheme 2023. Collection method: clinical testing. Allele origin: germline.
Comment: The p.L406F variant (also known as c.1216C>T), located in coding exon 12 of the NEBL gene, results from a C to T substitution at nucleotide position 1216. The leucine at codon 406 is replaced by phenylalanine, an amino acid with highly similar properties. This amino acid position is conserved. In addition, this alteration is predicted to be tolerated by in silico analysis. Since supporting evidence is limited at this time, the clinical significance of this alteration remains unclear.

Labcorp Genetics (formerly Invitae), Labcorp
Classification: Uncertain significance for Primary dilated cardiomyopathy. Last evaluated: 2024-04-30. Review status: criteria provided, single submitter. Criteria: Invitae Variant Classification Sherloc (09022015). Collection method: clinical testing. Allele origin: germline.
Comment: This sequence change replaces leucine, which is neutral and non-polar, with phenylalanine, which is neutral and non-polar, at codon 406 of the NEBL protein (p.Leu406Phe). This variant is not present in population databases (gnomAD no frequency). This variant has not been reported in the literature in individuals affected with NEBL-related conditions. ClinVar contains an entry for this variant (Variation ID: 2563752). An algorithm developed to predict the effect of missense changes on protein structure and function (PolyPhen-2) suggests that this variant is likely to be tolerated. In summary, the available evidence is currently insufficient to determine the role of this variant in disease. Therefore, it has been classified as a Variant of Uncertain Significance.

NM_006393.3(NEBL):c.1216C>T (p.Leu406Phe)

Gene: NEBL (nebulette; minus strand). Cytogenetic location: 10p12.31.
Variant type: single nucleotide variant.
Coding change: c.1216C>T on transcript NM_006393.3 (MANE Select); coding-DNA position 1216, C replaced by T.
Protein change: p.Leu406Phe; replaces leucine 406 with phenylalanine.
Molecular consequence: missense variant. On other transcripts: intron variant (9).
Genome position (GRCh38, 1-based): chr10:20,845,269, G>A on the plus strand (C>T on the coding strand, the complement: NEBL is on the minus strand). VCF-style: chr10-20845269-G-A. GRCh37 (hg19) VCF-style: chr10-21134198-G-A.
Other names: c.250-32329C>T (NM_001377326.1, NM_001377327.1, NM_001377328.1); c.358-32329C>T (NM_213569.2, NM_001173484.2, NM_001377322.1); c.301-32329C>T (NM_001377324.1); c.292-32329C>T (NM_001377325.1); c.310-32329C>T (NM_001377323.1); short protein forms L406F.
Identifiers: ClinVar variation 2563752 (VCV002563752.5), dbSNP rs2491938417, ClinGen allele CA376099542.
Genomic context (GRCh38, chr10:20,845,269, plus strand): 5'-TTTCTTTACTTTTCTTCATAATATTTAATAATAAACACCAAGATCGTACCTCCCTCAGAA[G>A]GTTGGTGATGTACTTTACATGTAAAAATTCTGGAGTCTTGTCTAAATCCAGTGATGACCT-3'
Protein context (NP_006384.1, residues 396-416): EFLHVKYITN[Leu406Phe]LREKEYKKDL